The following is an entry in ClinVar:

NM_000384.3(APOB):c.7022T>C (p.Val2341Ala)

Gene: APOB (apolipoprotein B; minus strand). Cytogenetic location: 2p24.1.
Variant type: single nucleotide variant.
Coding change: c.7022T>C on transcript NM_000384.3 (MANE Select); coding-DNA position 7022, T replaced by C.
Protein change: p.Val2341Ala; replaces valine 2341 with alanine.
Molecular consequence: missense variant.
Genome position (GRCh38, 1-based): chr2:21,009,846, A>G on the plus strand (T>C on the coding strand, the complement: APOB is on the minus strand). VCF-style: chr2-21009846-A-G. GRCh37 (hg19) VCF-style: chr2-21232718-A-G.
Other names: short protein forms V2341A.
Identifiers: ClinVar variation 1756735 (VCV001756735.7), dbSNP rs141334635, ClinGen allele CA064001.

ClinVar aggregate classification (germline): Conflicting classifications of pathogenicity. Review status: criteria provided, conflicting classifications (1 of 4 stars). 2 submissions from 2 submitters: Uncertain significance (1); Likely benign (1). Last evaluated 2025-05-29.

Conditions:
Familial hypobetalipoproteinemia 1. Also called: APOB-Related Familial Hypobetalipoproteinemia; Hypobetalipoproteinemia, normotriglyceridemic; Acanthocytosis with hypobetalipoproteinemia. Identifiers: MedGen C4551990, MONDO:0014252, OMIM 615558.
Hypercholesterolemia, autosomal dominant, type B (FHCL2). Also called: Hyperlipoproteinemia Type IIb; Familial hypercholesterolemia 2; Familial Hypercholesterolemia Type B; APOLIPOPROTEIN B-100, FAMILIAL DEFECTIVE; APOLIPOPROTEIN B-100, FAMILIAL LIGAND-DEFECTIVE; HYPERCHOLESTEROLEMIA, FAMILIAL, DUE TO LIGAND-DEFECTIVE APOLIPOPROTEIN B. Identifiers: MedGen C1704417, MONDO:0007751, OMIM 144010.
Cardiovascular phenotype. Identifiers: MedGen CN230736.

Allele frequency attached by ClinVar (database versions not stated): gnomAD 0.00016; gnomAD exomes below 0.00001; ExAC 0.00001; ESP Exome Variant Server 0.00008; TOPMed 0.00013.
gnomAD v4.1: 30 of 1,613,914 alleles (0.0019%); highest among the groups gnomAD compares: African/African-American, 0.039%; no homozygotes.

Submissions (2):

Labcorp Genetics (formerly Invitae), Labcorp
Classification: Likely benign for Familial hypobetalipoproteinemia 1; Hypercholesterolemia, autosomal dominant, type B. Last evaluated: 2025-05-29. Review status: criteria provided, single submitter. Criteria: Invitae Variant Classification Sherloc (09022015). Collection method: clinical testing. Allele origin: germline.

Ambry Genetics
Classification: Uncertain significance for Cardiovascular phenotype. Last evaluated: 2019-12-27. Review status: criteria provided, single submitter. Criteria: Ambry Variant Classification Scheme 2023. Collection method: clinical testing. Allele origin: germline.
Comment: The p.V2341A variant (also known as c.7022T>C), located in coding exon 26 of the APOB gene, results from a T to C substitution at nucleotide position 7022. The valine at codon 2341 is replaced by alanine, an amino acid with similar properties. This amino acid position is poorly conserved in available vertebrate species. In addition, this alteration is predicted to be tolerated by in silico analysis. Since supporting evidence is limited at this time, the clinical significance of this alteration remains unclear.